The following is an entry in ClinVar:

ClinVar aggregate classification (germline): Uncertain significance (1 of 4 stars; one submission).

Conditions:
Hereditary cancer-predisposing syndrome. Also called: Neoplastic Syndromes, Hereditary; Hereditary Cancer Syndrome; Tumor predisposition; Hereditary neoplastic syndrome. Identifiers: Orphanet 140162, MedGen C0027672, MeSH D009386, MONDO:0015356.

Submission:

Color Diagnostics, LLC DBA Color Health
Classification: Uncertain significance for Hereditary cancer-predisposing syndrome. Last evaluated: 2023-12-04. Review status: criteria provided, single submitter. Criteria: ACMG Guidelines, 2015. Collection method: clinical testing. Allele origin: germline.
Comment: This missense variant replaces phenylalanine with cysteine at codon 1749 of the ATM protein. Computational prediction suggests that this variant may have deleterious impact on protein structure and function (internally defined REVEL score threshold >= 0.7, PMID: 27666373). To our knowledge, functional studies have not been reported for this variant. This variant has not been reported in individuals affected with ATM-related disorders in the literature. This variant has not been identified in the general population by the Genome Aggregation Database (gnomAD). The available evidence is insufficient to determine the role of this variant in disease conclusively. Therefore, this variant is classified as a Variant of Uncertain Significance.

NM_000051.4(ATM):c.5246T>G (p.Phe1749Cys)

Gene: ATM (ATM serine/threonine kinase; plus strand). Cytogenetic location: 11q22.3.
Variant type: single nucleotide variant.
Coding change: c.5246T>G on transcript NM_000051.4 (MANE Select); coding-DNA position 5246, T replaced by G.
Protein change: p.Phe1749Cys; replaces phenylalanine 1749 with cysteine.
Molecular consequence: missense variant.
Genome position (GRCh38, 1-based): chr11:108,301,716, T>G. VCF-style: chr11-108301716-T-G. GRCh37 (hg19) VCF-style: chr11-108172443-T-G.
Other names: c.5246T>G, p.Phe1749Cys (NM_001351834.2); short protein forms F1749C.
Identifiers: ClinVar variation 927839 (VCV000927839.4), dbSNP rs1591708790, ClinGen allele CA382542448.
Genomic context (GRCh38, chr11:108,301,716, plus strand): 5'-TTCGATCAGCAGCTGTTACCTGTTTGAAAAACATTTTAGCCACAAAGACTGGACATAGTT[T>G]CTGGGAGATTTATAAGATGACAACAGATCCAATGCTGGCCTATCTACAGCCTTTTAGAAC-3'
Protein context (NP_000042.3, residues 1739-1759): NILATKTGHS[Phe1749Cys]WEIYKMTTDP